The following is an entry in ClinVar:

ClinVar aggregate classification (germline): Pathogenic (1 of 4 stars; one submission).

Conditions:
Deficiency of acetyl-CoA acetyltransferase. Also called: Beta-ketothiolase deficiency; 3-KETOTHIOLASE DEFICIENCY; 3-OXOTHIOLASE DEFICIENCY; MITOCHONDRIAL ACETOACETYL-CoA THIOLASE DEFICIENCY. Identifiers: Orphanet 134, MedGen C1536500, MONDO:0008760, OMIM 203750. Disease mechanism: loss of function.

Submission:

Labcorp Genetics (formerly Invitae), Labcorp
Classification: Pathogenic for Deficiency of acetyl-CoA acetyltransferase. Last evaluated: 2023-11-27. Review status: criteria provided, single submitter. Criteria: Invitae Variant Classification Sherloc (09022015). Collection method: clinical testing. Allele origin: germline.
Comment: This sequence change creates a premature translational stop signal (p.Tyr161*) in the ACAT1 gene. It is expected to result in an absent or disrupted protein product. Loss-of-function variants in ACAT1 are known to be pathogenic (PMID: 7749408). This variant is not present in population databases (gnomAD no frequency). This variant has not been reported in the literature in individuals affected with ACAT1-related conditions. Algorithms developed to predict the effect of sequence changes on RNA splicing suggest that this variant may create or strengthen a splice site. For these reasons, this variant has been classified as Pathogenic.

Literature cited by the submitters: PubMed 7749408.

NM_000019.4(ACAT1):c.483T>G (p.Tyr161Ter)

Gene: ACAT1 (acetyl-CoA acetyltransferase 1; plus strand). Cytogenetic location: 11q22.3.
Variant type: single nucleotide variant.
Coding change: c.483T>G on transcript NM_000019.4 (MANE Select); coding-DNA position 483, T replaced by G.
Protein change: p.Tyr161Ter; replaces tyrosine 161 with a stop codon.
Molecular consequence: nonsense. On other transcripts: non-coding transcript variant (2).
Genome position (GRCh38, 1-based): chr11:108,138,945, T>G. VCF-style: chr11-108138945-T-G. GRCh37 (hg19) VCF-style: chr11-108009672-T-G.
Other names: c.483T>G, p.Tyr161Ter (NM_001386677.1); c.168T>G, p.Tyr56Ter (NM_001386678.1); c.186T>G, p.Tyr62Ter (NM_001386679.1); c.213T>G, p.Tyr71Ter (NM_001386681.1, NM_001386682.1, NM_001386685.1 and 6 more transcripts); short protein forms Y161*, Y62*, Y56*, Y71*.
Identifiers: ClinVar variation 2976945 (VCV002976945.3), dbSNP rs1591367485, ClinGen allele CA382507146.